The following is an entry in ClinVar:

NM_025207.5(FLAD1):c.1568G>C (p.Arg523Thr)

Gene: FLAD1 (flavin adenine dinucleotide synthetase 1; plus strand). Cytogenetic location: 1q21.3.
Variant type: single nucleotide variant.
Coding change: c.1568G>C on transcript NM_025207.5 (MANE Select); coding-DNA position 1568, G replaced by C.
Protein change: p.Arg523Thr; replaces arginine 523 with threonine.
Molecular consequence: missense variant.
Genome position (GRCh38, 1-based): chr1:154,992,726, G>C. VCF-style: chr1-154992726-G-C. GRCh37 (hg19) VCF-style: chr1-154965202-G-C.
Other names: c.1277G>C, p.Arg426Thr (NM_001184891.2, NM_201398.3); short protein forms R523T, R426T.
Identifiers: ClinVar variation 3667620 (VCV003667620.2).
Genomic context (GRCh38, chr1:154,992,726, plus strand): 5'-TGGGAAAGGTGAGCATTTGTGACTATTCTATTACTCTGACCTCCCAGGACTGGACCTACA[G>C]AGACATCTGGGATTTTCTGCGTCAGCTGTTTGTCCCATACTGTATCCTGTATGACCGAGG-3'
Protein context (NP_079483.3, residues 513-533): RINPLLDWTY[Arg523Thr]DIWDFLRQLF

ClinVar aggregate classification (germline): Uncertain significance (1 of 4 stars; one submission).

gnomAD v4.1: 1 of 1,614,184 alleles (0.000062%); highest among the groups gnomAD compares: Non-Finnish European, 0.000085%; no homozygotes.

Submission:

Labcorp Genetics (formerly Invitae), Labcorp
Classification: Uncertain significance. Last evaluated: 2024-12-07. Review status: criteria provided, single submitter. Criteria: Invitae Variant Classification Sherloc (09022015). Collection method: clinical testing. Allele origin: germline.
Comment: This sequence change replaces arginine, which is basic and polar, with threonine, which is neutral and polar, at codon 523 of the FLAD1 protein (p.Arg523Thr). This variant is not present in population databases (gnomAD no frequency). This variant has not been reported in the literature in individuals affected with FLAD1-related conditions. An algorithm developed to predict the effect of missense changes on protein structure and function (PolyPhen-2) suggests that this variant is likely to be tolerated. In summary, the available evidence is currently insufficient to determine the role of this variant in disease. Therefore, it has been classified as a Variant of Uncertain Significance.